The following is an entry in ClinVar:

ClinVar aggregate classification (germline): Likely pathogenic (1 of 4 stars; one submission).

Conditions:
LAMA2-related muscular dystrophy (LAMA2-RD). Also called: Laminin alpha 2-related dystrophy. Identifiers: MedGen C5679788, MONDO:0100228.

Submission:

Labcorp Genetics (formerly Invitae), Labcorp
Classification: Likely pathogenic for LAMA2-related muscular dystrophy. Last evaluated: 2022-06-24. Review status: criteria provided, single submitter. Criteria: Invitae Variant Classification Sherloc (09022015). Collection method: clinical testing. Allele origin: germline.
Comment: In summary, the currently available evidence indicates that the variant is pathogenic, but additional data are needed to prove that conclusively. Therefore, this variant has been classified as Likely Pathogenic. Algorithms developed to predict the effect of sequence changes on RNA splicing suggest that this variant may disrupt the consensus splice site. This variant has not been reported in the literature in individuals affected with LAMA2-related conditions. This variant is not present in population databases (gnomAD no frequency). This sequence change affects an acceptor splice site in intron 41 of the LAMA2 gene. It is expected to disrupt RNA splicing. Variants that disrupt the donor or acceptor splice site typically lead to a loss of protein function (PMID: 16199547), and loss-of-function variants in LAMA2 are known to be pathogenic (PMID: 18700894, 32904964).

Literature cited by the submitters: PubMed 16199547; PubMed 18700894; PubMed 32904964.

NM_000426.4(LAMA2):c.5969-1G>A

Gene: LAMA2 (laminin subunit alpha 2; plus strand). Cytogenetic location: 6q22.33.
Variant type: single nucleotide variant.
Coding change: c.5969-1G>A on transcript NM_000426.4 (MANE Select); the canonical splice acceptor site of the intron before coding-DNA position 5969, G replaced by A.
Molecular consequence: splice acceptor variant.
Genome position (GRCh38, 1-based): chr6:129,438,645, G>A. VCF-style: chr6-129438645-G-A. GRCh37 (hg19) VCF-style: chr6-129759790-G-A.
Other names: c.5969-1G>A (NM_001079823.2).
Identifiers: ClinVar variation 2010125 (VCV002010125.4), dbSNP rs1781951075, ClinGen allele CA365627415.
Genomic context (GRCh38, chr6:129,438,645, plus strand): 5'-CAAGTATAAGCTCAGGGATGATAAAACTTATTTAATCCTTTTTTTTGTTTTTTATTCGCA[G>A]AAAATGAAGACCATCTAAATGGCTTAAAAACCAGGATAGAAAATGCTGATGCTAGAAATG-3'